The following is an entry in ClinVar:

ClinVar aggregate classification (germline): Uncertain significance (1 of 4 stars; one submission).

Conditions:
Diffuse cerebral and cerebellar atrophy - intractable seizures - progressive microcephaly syndrome. Also called: Microcephaly, progressive, with seizures and cerebral and cerebellar atrophy. Identifiers: Orphanet 404437, MedGen C4014239, MONDO:0014335, OMIM 615760.

Submission:

Labcorp Genetics (formerly Invitae), Labcorp
Classification: Uncertain significance for Diffuse cerebral and cerebellar atrophy - intractable seizures - progressive microcephaly syndrome. Last evaluated: 2024-10-23. Review status: criteria provided, single submitter. Criteria: Invitae Variant Classification Sherloc (09022015). Collection method: clinical testing. Allele origin: germline.
Comment: This sequence change replaces tyrosine, which is neutral and polar, with phenylalanine, which is neutral and non-polar, at codon 142 of the QARS protein (p.Tyr142Phe). This variant is not present in population databases (gnomAD no frequency). This variant has not been reported in the literature in individuals affected with QARS-related conditions. ClinVar contains an entry for this variant (Variation ID: 2025630). Invitae Evidence Modeling of protein sequence and biophysical properties (such as structural, functional, and spatial information, amino acid conservation, physicochemical variation, residue mobility, and thermodynamic stability) has been performed for this missense variant. However, the output from this modeling did not meet the statistical confidence thresholds required to predict the impact of this variant on QARS protein function. In summary, the available evidence is currently insufficient to determine the role of this variant in disease. Therefore, it has been classified as a Variant of Uncertain Significance.

NM_005051.3(QARS1):c.425A>T (p.Tyr142Phe)

Gene: QARS1 (glutaminyl-tRNA synthetase 1; minus strand). Cytogenetic location: 3p21.31.
Variant type: single nucleotide variant.
Coding change: c.425A>T on transcript NM_005051.3 (MANE Select); coding-DNA position 425, A replaced by T.
Protein change: p.Tyr142Phe; replaces tyrosine 142 with phenylalanine.
Molecular consequence: missense variant. On other transcripts: non-coding transcript variant (1).
Genome position (GRCh38, 1-based): chr3:49,103,657, T>A on the plus strand (A>T on the coding strand, the complement: QARS1 is on the minus strand). VCF-style: chr3-49103657-T-A. GRCh37 (hg19) VCF-style: chr3-49141090-T-A.
Other names: c.392A>T, p.Tyr131Phe (NM_001272073.2); short protein forms Y131F, Y142F.
Identifiers: ClinVar variation 2025630 (VCV002025630.4), dbSNP rs2471862452, ClinGen allele CA352719529.
Genomic context (GRCh38, chr3:49,103,657, plus strand): 5'-AGAACAATATAGCCCCGTTCCAGGCCCTGCTCACCCATCAGCAGCCCCATGTTGAAATGG[T>A]AACGTTCCACCAGGAGCTGGGGCCGGTGCCTGTTAATAGCAGCCTCCACCTGCAGAAAGC-3'
Protein context (NP_005042.1, residues 132-152): RHRPQLLVER[Tyr142Phe]HFNMGLLMGE